The following is an entry in ClinVar:

NM_002471.4(MYH6):c.3853G>A (p.Glu1285Lys)

Gene: MYH6 (myosin heavy chain 6; minus strand). Cytogenetic location: 14q11.2.
Variant type: single nucleotide variant.
Coding change: c.3853G>A on transcript NM_002471.4 (MANE Select); coding-DNA position 3853, G replaced by A.
Protein change: p.Glu1285Lys; replaces glutamic acid 1285 with lysine.
Molecular consequence: missense variant.
Genome position (GRCh38, 1-based): chr14:23,389,599, C>T on the plus strand (G>A on the coding strand, the complement: MYH6 is on the minus strand). VCF-style: chr14-23389599-C-T. GRCh37 (hg19) VCF-style: chr14-23858808-C-T.
Other names: short protein forms E1285K.
Identifiers: ClinVar variation 537971 (VCV000537971.14), dbSNP rs375655864, ClinGen allele CA7115057.

ClinVar aggregate classification (germline): Uncertain significance. Review status: criteria provided, multiple submitters, no conflicts (2 of 4 stars). 5 submissions from 5 submitters: Uncertain significance (5). Last evaluated 2026-03-31.

Conditions:
MYH6-related disorder. Also called: MYH6-related condition; MYH6-Related Disorders.
Hypertrophic cardiomyopathy 14. Identifiers: MedGen C2750467, MONDO:0013197, OMIM 613251.
Cardiovascular phenotype. Identifiers: MedGen CN230736.
Dilated cardiomyopathy 1EE (CMD1EE). Identifiers: Orphanet 154, MedGen C2750466, MONDO:0013198, OMIM 613252.
Atrial septal defect 3 (ASD3). Identifiers: Orphanet 1478, MedGen C3279790, MONDO:0013567, OMIM 614089.
Sick sinus syndrome 3, susceptibility to (SSS3). Identifiers: Orphanet 166282, MedGen C3279791, MONDO:0013568, OMIM 614090.

Allele frequency attached by ClinVar (database versions not stated): gnomAD exomes 0.00001 and 0.00002; gnomAD 0.00002; TOPMed 0.00002; ExAC 0.00003; ESP Exome Variant Server 0.00008.

Submissions (5):

Ambry Genetics
Classification: Uncertain significance for Cardiovascular phenotype. Last evaluated: 2026-03-31. Review status: criteria provided, single submitter. Criteria: Ambry Variant Classification Scheme 2023. Collection method: clinical testing. Allele origin: germline.
Comment: The p.E1285K variant (also known as c.3853G>A), located in coding exon 25 of the MYH6 gene, results from a G to A substitution at nucleotide position 3853. The glutamic acid at codon 1285 is replaced by lysine, an amino acid with similar properties. This variant was reported in individual(s) with features consistent with hypertrophic cardiomyopathy (HCM) (Janin A et al. Mol Diagn Ther, 2021 May;25:373-385). This amino acid position is highly conserved in available vertebrate species. In addition, this alteration is predicted to be deleterious by in silico analysis. Based on the available evidence, the clinical significance of this variant remains unclear.

PreventionGenetics, part of Exact Sciences
Classification: Uncertain significance for MYH6-related condition. Last evaluated: 2025-06-27. Review status: criteria provided, single submitter. Criteria: ACMG Guidelines, 2015. Collection method: clinical testing. Allele origin: germline.
Comment: The MYH6 c.3853G>A variant is predicted to result in the amino acid substitution p.Glu1285Lys. To our knowledge, this variant has not been reported in the literature. This variant is reported in 0.018% of alleles in individuals of African descent in gnomAD. At this time, the clinical significance of this variant is uncertain due to the absence of conclusive functional and genetic evidence.

Labcorp Genetics (formerly Invitae), Labcorp
Classification: Uncertain significance for Hypertrophic cardiomyopathy 14. Last evaluated: 2024-11-10. Review status: criteria provided, single submitter. Criteria: Invitae Variant Classification Sherloc (09022015). Collection method: clinical testing. Allele origin: germline.
Comment: This sequence change replaces glutamic acid, which is acidic and polar, with lysine, which is basic and polar, at codon 1285 of the MYH6 protein (p.Glu1285Lys). This variant is present in population databases (rs375655864, gnomAD 0.02%). This variant has not been reported in the literature in individuals affected with MYH6-related conditions. ClinVar contains an entry for this variant (Variation ID: 537971). Invitae Evidence Modeling of protein sequence and biophysical properties (such as structural, functional, and spatial information, amino acid conservation, physicochemical variation, residue mobility, and thermodynamic stability) has been performed for this missense variant. However, the output from this modeling did not meet the statistical confidence thresholds required to predict the impact of this variant on MYH6 protein function. In summary, the available evidence is currently insufficient to determine the role of this variant in disease. Therefore, it has been classified as a Variant of Uncertain Significance.

Blueprint Genetics
Classification: Uncertain significance. Last evaluated: 2024-08-01. Review status: criteria provided, single submitter. Criteria: ACMG Guidelines, 2015. Collection method: clinical testing. Allele origin: germline.

Juno Genomics, Hangzhou Juno Genomics, Inc
Classification: Uncertain significance for Atrial septal defect 3; Sick sinus syndrome 3, susceptibility to; Dilated cardiomyopathy 1EE; Hypertrophic cardiomyopathy 14. Review status: criteria provided, single submitter. Criteria: ACMG Guidelines, 2015. Collection method: clinical testing. Allele origin: germline. Affected: yes.
Comment: Absent from controls (or at extremely low frequency if recessive) in Genome Aggregation Database.;Multiple lines of computational evidence support a deleterious effect on the gene or gene product.;Missense variant in a gene that has a low rate of benign missense variation.

Literature cited by the submitters: PubMed 33954932 (cited by Ambry Genetics).